The following is an entry in ClinVar:

NM_001166108.2(PALLD):c.*108C>T

Genes: PALLD (palladin, cytoskeletal associated protein; plus strand), CBR4 (carbonyl reductase 4; minus strand). Cytogenetic location: 4q32.3.
Variant type: single nucleotide variant.
Coding change: c.*108C>T on transcript NM_001166108.2 (MANE Select); 108 bases downstream of the stop codon, C replaced by T.
Molecular consequence: 3 prime UTR variant. On other transcripts: missense variant (4).
Genome position (GRCh38, 1-based): chr4:168,926,288, C>T. VCF-style: chr4-168926288-C-T. GRCh37 (hg19) VCF-style: chr4-169847439-C-T.
Other names: c.2237C>T, p.Ser746Leu (NM_001166109.2); c.1922C>T, p.Ser641Leu (NM_001166110.2); c.*108C>T (NM_001367567.1, NM_001367570.1, NM_016081.4); c.1313C>T, p.Ser438Leu (NM_001367568.1); c.1262C>T, p.Ser421Leu (NM_001367569.1); short protein forms S641L, S421L, S438L, S746L.
Identifiers: ClinVar variation 216535 (VCV000216535.10), dbSNP rs863224704, ClinGen allele CA338392.

ClinVar aggregate classification (germline): Uncertain significance. Review status: criteria provided, multiple submitters, no conflicts (2 of 4 stars). 3 submissions from 3 submitters: Uncertain significance (3). Last evaluated 2024-12-08.

Conditions:
Pancreatic adenocarcinoma. Identifiers: MedGen C0281361, MONDO:0006047, HP:0006725.
Pancreatic cancer, susceptibility to, 1. Identifiers: Orphanet 1333, MedGen C1847351, MONDO:0011739, OMIM 606856.

Allele frequency attached by ClinVar (database versions not stated): gnomAD exomes 0.00001; TOPMed 0.00003; gnomAD 0.00005 and 0.00006.
gnomAD v4.1: 23 of 1,537,122 alleles (0.0015%); highest among the groups gnomAD compares: African/African-American, 0.018%; no homozygotes.

Submissions (3):

Ambry Genetics
Classification: Uncertain significance. Last evaluated: 2024-12-08. Review status: criteria provided, single submitter. Criteria: Ambry Variant Classification Scheme 2023. Collection method: clinical testing. Allele origin: germline.
Comment: The p.S641L variant (also known as c.1922C>T), located in coding exon 11 of the PALLD gene, results from a C to T substitution at nucleotide position 1922. The serine at codon 641 is replaced by leucine, an amino acid with dissimilar properties. This amino acid position is conserved. In addition, this alteration is predicted to be tolerated by in silico analysis. Based on the available evidence, the clinical significance of this variant remains unclear.

Fulgent Genetics
Classification: Uncertain significance for Pancreatic cancer, susceptibility to, 1. Last evaluated: 2024-04-22. Review status: criteria provided, single submitter. Criteria: ACMG Guidelines, 2015. Collection method: clinical testing. Allele origin: germline.

Labcorp Genetics (formerly Invitae), Labcorp
Classification: Uncertain significance for Pancreatic adenocarcinoma. Last evaluated: 2018-03-21. Review status: criteria provided, single submitter. Criteria: Invitae Variant Classification Sherloc (09022015). Collection method: clinical testing. Allele origin: germline.
Comment: Algorithms developed to predict the effect of missense changes on protein structure and function (SIFT, PolyPhen-2, Align-GVGD) all suggest that this variant is likely to be tolerated, but these predictions have not been confirmed by published functional studies and their clinical significance is uncertain. In summary, the available evidence is currently insufficient to determine the role of this variant in disease. Therefore, it has been classified as a Variant of Uncertain Significance. This variant has not been reported in the literature in individuals with PALLD-related disease. ClinVar contains an entry for this variant (Variation ID: 216535). This sequence change replaces serine with leucine at codon 641 of the PALLD protein (p.Ser641Leu). The serine residue is weakly conserved and there is a large physicochemical difference between serine and leucine. This variant is not present in population databases (ExAC no frequency).